The following is an entry in ClinVar:

NM_052945.4(TNFRSF13C):c.311_322del (p.Arg104_Arg107del)

Genes: TNFRSF13C (TNF receptor superfamily member 13C; minus strand), LOC130067574 (ATAC-STARR-seq lymphoblastoid silent region 13813; plus strand). Cytogenetic location: 22q13.2.
Variant type: Deletion.
Coding change: c.311_322del on transcript NM_052945.4 (MANE Select); coding-DNA positions 311 to 322, 12 bases deleted (GACAGCGGCGGC).
Protein change: p.Arg104_Arg107del.
Molecular consequence: inframe deletion.
Genome position (GRCh38, 1-based): chr22:41,926,146-41,926,157, GCCGCCGCTGTC deleted on the plus strand (GACAGCGGCGGC on the coding strand, the reverse complement: TNFRSF13C is on the minus strand); deleting any 12 consecutive bases within chr22:41,926,146-41,926,163 gives the same sequence; the c. name uses the placement nearest the transcript's 3' end. VCF-style (leftmost placement, unchanged base first): chr22-41926145-AGCCGCCGCTGTC-A. GRCh37 (hg19) VCF-style: chr22-42322149-AGCCGCCGCTGTC-A.
Identifiers: ClinVar variation 848146 (VCV000848146.8), dbSNP rs1382035439, ClinGen allele CA753314699.

ClinVar aggregate classification (germline): Uncertain significance (1 of 4 stars; one submission).

Conditions:
Immunodeficiency, common variable, 4. Also called: ANTIBODY DEFICIENCY DUE TO BAFFR DEFECT. Identifiers: Orphanet 1572, Orphanet 696925, MedGen C3150739, MONDO:0013284, OMIM 613494.

Submission:

Labcorp Genetics (formerly Invitae), Labcorp
Classification: Uncertain significance for Immunodeficiency, common variable, 4. Last evaluated: 2025-03-18. Review status: criteria provided, single submitter. Criteria: Invitae Variant Classification Sherloc (09022015). Collection method: clinical testing. Allele origin: germline.
Comment: This variant, c.311_322del, results in the deletion of 4 amino acid(s) of the TNFRSF13C protein (p.Arg104_Arg107del), but otherwise preserves the integrity of the reading frame. This variant is not present in population databases (gnomAD no frequency). This variant has not been reported in the literature in individuals affected with TNFRSF13C-related conditions. ClinVar contains an entry for this variant (Variation ID: 848146). Experimental studies and prediction algorithms are not available or were not evaluated, and the functional significance of this variant is currently unknown. In summary, the available evidence is currently insufficient to determine the role of this variant in disease. Therefore, it has been classified as a Variant of Uncertain Significance.